The following is an entry in ClinVar:

ClinVar aggregate classification (germline): Pathogenic (1 of 4 stars; one submission).

Conditions:
Birt-Hogg-Dube syndrome 1 (BHD1). Also called: FIBROFOLLICULOMAS WITH TRICHODISCOMAS AND ACROCHORDONS. Identifiers: Orphanet 122, MedGen CN375946, MONDO:0800445, OMIM 135150.

Submission:

Myriad Genetics, Inc.
Classification: Pathogenic for Birt-Hogg-Dube syndrome 1. Last evaluated: 2024-06-26. Review status: criteria provided, single submitter. Criteria: Myriad Autosomal Dominant, Autosomal Recessive and X-Linked Classification Criteria (2023). Collection method: clinical testing. Allele origin: unknown.
Comment: This variant is considered pathogenic. This variant creates a frameshift predicted to result in premature protein truncation.

NM_144997.7(FLCN):c.340_349del (p.His114fs)

Gene: FLCN (folliculin; minus strand). Cytogenetic location: 17p11.2.
Variant type: Deletion.
Coding change: c.340_349del on transcript NM_144997.7 (MANE Select); coding-DNA positions 340 to 349, 10 bases deleted (CACCCCCAGC; older notation c.340_349delCACCCCCAGC).
Protein change: p.His114fs; shifts the reading frame from histidine 114.
Molecular consequence: frameshift variant.
Genome position (GRCh38, 1-based): chr17:17,226,223-17,226,232, GCTGGGGGTG deleted on the plus strand (CACCCCCAGC on the coding strand, the reverse complement: FLCN is on the minus strand); deleting any 10 consecutive bases within chr17:17,226,223-17,226,239 gives the same sequence; the c. name uses the placement nearest the transcript's 3' end. VCF-style (leftmost placement, unchanged base first): chr17-17226222-AGCTGGGGGTG-A. GRCh37 (hg19) VCF-style: chr17-17129536-AGCTGGGGGTG-A.
Other names: c.340_349del, p.His114fs (NM_001353229.2, NM_001353230.2, NM_001353231.2 and 1 more transcripts); short protein forms H114fs.
Identifiers: ClinVar variation 3254412 (VCV003254412.1), dbSNP rs2544280687.
Genomic context (GRCh38, chr17:17,226,222, plus strand): 5'-GCCACAAGGCTCACCTCACAGCTCAGGCTCCGGACACAGGCCTGGCGGACAATGCTGAAG[AGCTGGGGGTG>A]GCTGGGGTGCTGGTGGCTGACGTATTTAATGGAGGTCTCTTTATCATGGCTGATATATCC-3'